The following is an entry in ClinVar:

ClinVar aggregate classification (germline): Uncertain significance. Review status: criteria provided, multiple submitters, no conflicts (2 of 4 stars). 2 submissions from 2 submitters: Uncertain significance (2). Last evaluated 2025-04-28.

Conditions:
Inborn genetic diseases. Identifiers: MedGen C0950123, MeSH D030342.

gnomAD v4.1: 329 of 1,613,562 alleles (0.02%); highest among the groups gnomAD compares: Non-Finnish European, 0.026%; no homozygotes.

Submissions (2):

Labcorp Genetics (formerly Invitae), Labcorp
Classification: Uncertain significance. Last evaluated: 2025-04-28. Review status: criteria provided, single submitter. Criteria: Invitae Variant Classification Sherloc (09022015). Collection method: clinical testing. Allele origin: germline.
Comment: This sequence change replaces valine, which is neutral and non-polar, with leucine, which is neutral and non-polar, at codon 675 of the XYLT2 protein (p.Val675Leu). This variant is present in population databases (rs147831067, gnomAD 0.03%). This variant has not been reported in the literature in individuals affected with XYLT2-related conditions. ClinVar contains an entry for this variant (Variation ID: 2075985). Invitae Evidence Modeling of protein sequence and biophysical properties (such as structural, functional, and spatial information, amino acid conservation, physicochemical variation, residue mobility, and thermodynamic stability) indicates that this missense variant is not expected to disrupt XYLT2 protein function with a negative predictive value of 80%. In summary, the available evidence is currently insufficient to determine the role of this variant in disease. Therefore, it has been classified as a Variant of Uncertain Significance.

Ambry Genetics
Classification: Uncertain significance for Inborn genetic diseases. Last evaluated: 2024-01-16. Review status: criteria provided, single submitter. Criteria: Ambry Variant Classification Scheme 2023. Collection method: clinical testing. Allele origin: germline.

NM_022167.4(XYLT2):c.2023G>T (p.Val675Leu)

Gene: XYLT2 (xylosyltransferase 2; plus strand). Cytogenetic location: 17q21.33.
Variant type: single nucleotide variant.
Coding change: c.2023G>T on transcript NM_022167.4 (MANE Select); coding-DNA position 2023, G replaced by T.
Protein change: p.Val675Leu; replaces valine 675 with leucine.
Molecular consequence: missense variant.
Genome position (GRCh38, 1-based): chr17:50,358,288, G>T. VCF-style: chr17-50358288-G-T. GRCh37 (hg19) VCF-style: chr17-48435649-G-T.
Other names: short protein forms V675L.
Identifiers: ClinVar variation 2075985 (VCV002075985.4), dbSNP rs147831067, ClinGen allele CA8646643.